The following is an entry in ClinVar:

ClinVar aggregate classification (germline): Uncertain significance. Review status: criteria provided, multiple submitters, no conflicts (2 of 4 stars). 2 submissions from 2 submitters: Uncertain significance (2). Last evaluated 2023-03-14.

Conditions:
Nemaline myopathy 6 (NEM6). Also called: Nemaline myopathy 6, autosomal dominant. Identifiers: Orphanet 171439, MedGen C1836472, MONDO:0012237, OMIM 609273.

Allele frequency attached by ClinVar (database versions not stated): gnomAD 0.00005; TOPMed 0.00008; 1000 Genomes Project 0.00040; 1000 Genomes Project 30x 0.00047.
gnomAD v4.1: 16 of 1,513,334 alleles (0.0011%); highest among the groups gnomAD compares: African/African-American, 0.019%; no homozygotes.

Submissions (2):

Labcorp Genetics (formerly Invitae), Labcorp
Classification: Uncertain significance for Nemaline myopathy 6. Last evaluated: 2023-03-14. Review status: criteria provided, single submitter. Criteria: Invitae Variant Classification Sherloc (09022015). Collection method: clinical testing. Allele origin: germline.
Comment: In summary, the available evidence is currently insufficient to determine the role of this variant in disease. Therefore, it has been classified as a Variant of Uncertain Significance. Advanced modeling of protein sequence and biophysical properties (such as structural, functional, and spatial information, amino acid conservation, physicochemical variation, residue mobility, and thermodynamic stability) performed at Invitae indicates that this missense variant is not expected to disrupt KBTBD13 protein function. ClinVar contains an entry for this variant (Variation ID: 1811551). This variant has not been reported in the literature in individuals affected with KBTBD13-related conditions. The frequency data for this variant in the population databases is considered unreliable, as metrics indicate poor data quality at this position in the gnomAD database. This sequence change replaces alanine, which is neutral and non-polar, with glutamic acid, which is acidic and polar, at codon 112 of the KBTBD13 protein (p.Ala112Glu).

Women's Health and Genetics/Laboratory Corporation of America, LabCorp
Classification: Uncertain significance. Last evaluated: 2022-12-30. Review status: criteria provided, single submitter. Criteria: LabCorp Variant Classification Summary - May 2015. Collection method: clinical testing. Allele origin: germline.
Comment: Variant summary: KBTBD13 c.335C>A (p.Ala112Glu) results in a non-conservative amino acid change in the encoded protein sequence. Five of five in-silico tools predict a damaging effect of the variant on protein function. The variant allele was found at a frequency of 5.3e-05 in 150728 control chromosomes (with the highest occurrence in the African subpopulation, i.e. 7/ 41380 alleles, in the gnomAD v3.1 genomes dataset). The available data on variant occurrences in the general population are insufficient to allow clear conclusions about variant significance. To our knowledge, no occurrence of c.335C>A in individuals affected with Nemaline Myopathy 6 and no experimental evidence demonstrating its impact on protein function have been reported. No clinical diagnostic laboratories have submitted clinical-significance assessments for this variant to ClinVar after 2014. Based on the evidence outlined above, the variant was classified as VUS-possibly benign.

NM_001101362.3(KBTBD13):c.335C>A (p.Ala112Glu)

Gene: KBTBD13 (kelch repeat and BTB domain containing 13; plus strand). Cytogenetic location: 15q22.31.
Variant type: single nucleotide variant.
Coding change: c.335C>A on transcript NM_001101362.3 (MANE Select); coding-DNA position 335, C replaced by A.
Protein change: p.Ala112Glu; replaces alanine 112 with glutamic acid.
Molecular consequence: missense variant.
Genome position (GRCh38, 1-based): chr15:65,077,150, C>A. VCF-style: chr15-65077150-C-A. GRCh37 (hg19) VCF-style: chr15-65369488-C-A.
Other names: short protein forms A112E.
Identifiers: ClinVar variation 1811551 (VCV001811551.6), dbSNP rs575680369, ClinGen allele CA7613925.